The following is an entry in ClinVar:

NM_177438.3(DICER1):c.1734C>T (p.Thr578=)

Gene: DICER1 (dicer 1, ribonuclease III; minus strand). Cytogenetic location: 14q32.13.
Variant type: single nucleotide variant.
Coding change: c.1734C>T on transcript NM_177438.3 (MANE Select); coding-DNA position 1734, C replaced by T.
Protein change: p.Thr578=; no amino-acid change (threonine 578 retained).
Molecular consequence: synonymous variant.
Genome position (GRCh38, 1-based): chr14:95,116,471, G>A on the plus strand (C>T on the coding strand, the complement: DICER1 is on the minus strand). VCF-style: chr14-95116471-G-A. GRCh37 (hg19) VCF-style: chr14-95582808-G-A.
Other names: c.1734C>T, p.Thr578= (NM_001195573.1, NM_001271282.3, NM_001291628.2 and 1 more transcripts).
Identifiers: ClinVar variation 485524 (VCV000485524.17), dbSNP rs1463781690, ClinGen allele CA487845071.

ClinVar aggregate classification (germline): Benign/Likely benign. Review status: criteria provided, multiple submitters, no conflicts (2 of 4 stars). 4 submissions from 4 submitters: Benign (1); Likely benign (3). Last evaluated 2026-04-15.

Conditions:
DICER1-related tumor predisposition. Also called: DICER1 syndrome; DICER1-related pleuropulmonary blastoma cancer predisposition syndrome. Identifiers: Orphanet 284343, MedGen C3839822, MONDO:0100216.
Hereditary cancer-predisposing syndrome. Also called: Tumor predisposition; Hereditary Cancer Syndrome; Neoplastic Syndromes, Hereditary; Hereditary neoplastic syndrome. Identifiers: Orphanet 140162, MedGen C0027672, MeSH D009386, MONDO:0015356.

Allele frequency attached by ClinVar (database versions not stated): TOPMed below 0.00001; gnomAD exomes 0.00001; gnomAD 0.00003.
gnomAD v4.1: 13 of 1,612,306 alleles (0.00081%); highest among the groups gnomAD compares: Non-Finnish European, 0.001%; no homozygotes.

Submissions (4):

Myriad Genetics, Inc.
Classification: Benign for DICER1-related tumor predisposition. Last evaluated: 2026-04-15. Review status: criteria provided, single submitter. Criteria: Myriad Autosomal Dominant, Autosomal Recessive and X-Linked Classification Criteria (2023). Collection method: clinical testing. Allele origin: unknown.
Comment: This variant is considered benign. This variant is a silent/synonymous amino acid change and it is not expected to impact splicing.

Labcorp Genetics (formerly Invitae), Labcorp
Classification: Likely benign for DICER1-related tumor predisposition. Last evaluated: 2025-05-21. Review status: criteria provided, single submitter. Criteria: Invitae Variant Classification Sherloc (09022015). Collection method: clinical testing. Allele origin: germline.

Blueprint Genetics
Classification: Likely benign. Last evaluated: 2021-04-19. Review status: criteria provided, single submitter. Criteria: ACMG Guidelines, 2015. Collection method: clinical testing. Allele origin: germline.

Ambry Genetics
Classification: Likely benign for Hereditary cancer-predisposing syndrome. Last evaluated: 2017-07-30. Review status: criteria provided, single submitter. Criteria: Ambry Variant Classification Scheme 2023. Collection method: clinical testing. Allele origin: germline.